The following is an entry in ClinVar:

NM_197968.4(ZMYM2):c.1753C>G (p.His585Asp)

Gene: ZMYM2 (zinc finger MYM-type containing 2; plus strand). Cytogenetic location: 13q12.11.
Variant type: single nucleotide variant.
Coding change: c.1753C>G on transcript NM_197968.4 (MANE Select); coding-DNA position 1753, C replaced by G.
Protein change: p.His585Asp; replaces histidine 585 with aspartic acid.
Molecular consequence: missense variant. On other transcripts: non-coding transcript variant (1).
Genome position (GRCh38, 1-based): chr13:20,027,220, C>G. VCF-style: chr13-20027220-C-G. GRCh37 (hg19) VCF-style: chr13-20601360-C-G.
Other names: c.1753C>G, p.His585Asp (NM_001190964.4, NM_001190965.4, NM_001353157.2 and 5 more transcripts); c.1558C>G, p.His520Asp (NM_001353161.3); c.1492C>G, p.His498Asp (NM_001353163.2); short protein forms H498D, H520D, H585D.
Identifiers: ClinVar variation 3368479 (VCV003368479.1).

ClinVar aggregate classification (germline): Uncertain significance (1 of 4 stars; one submission).

Submission:

GeneDx
Classification: Uncertain significance. Last evaluated: 2024-01-30. Review status: criteria provided, single submitter. Criteria: GeneDx Variant Classification Process June 2021. Collection method: clinical testing. Allele origin: germline. Affected: yes.
Comment: Not observed at significant frequency in large population cohorts (gnomAD); In silico analysis supports that this missense variant has a deleterious effect on protein structure/function; Has not been previously published as pathogenic or benign to our knowledge